The following is an entry in ClinVar:

ClinVar aggregate classification (germline): Conflicting classifications of pathogenicity. Review status: criteria provided, conflicting classifications (1 of 4 stars). 3 submissions from 3 submitters: Uncertain significance (1); Likely benign (2). Last evaluated 2024-03-14.

Allele frequency attached by ClinVar (database versions not stated): gnomAD 0.00001; gnomAD exomes 0.00001 and 0.00002; TOPMed 0.00001; ExAC 0.00003.
gnomAD v4.1: 18 of 1,613,234 alleles (0.0011%); highest among the groups gnomAD compares: Middle Eastern, 0.066%; no homozygotes.

Submissions (3):

Labcorp Genetics (formerly Invitae), Labcorp
Classification: Uncertain significance. Last evaluated: 2024-03-14. Review status: criteria provided, single submitter. Criteria: Invitae Variant Classification Sherloc (09022015). Collection method: clinical testing. Allele origin: germline.
Comment: This sequence change falls in intron 9 of the ATP5A1 gene. It does not directly change the encoded amino acid sequence of the ATP5A1 protein. It affects a nucleotide within the consensus splice site. This variant is present in population databases (rs760107868, gnomAD 0.004%). This variant has not been reported in the literature in individuals affected with ATP5A1-related conditions. ClinVar contains an entry for this variant (Variation ID: 514390). Variants that disrupt the consensus splice site are a relatively common cause of aberrant splicing (PMID: 17576681, 9536098). Algorithms developed to predict the effect of sequence changes on RNA splicing suggest that this variant is not likely to affect RNA splicing. In summary, the available evidence is currently insufficient to determine the role of this variant in disease. Therefore, it has been classified as a Variant of Uncertain Significance.

CeGaT Center for Human Genetics Tuebingen
Classification: Likely benign. Last evaluated: 2022-05-01. Review status: criteria provided, single submitter. Criteria: CeGaT Center For Human Genetics Tuebingen Variant Classification Criteria Version 2. Collection method: clinical testing. Allele origin: germline. Affected: yes. Observed: 1 variant allele.
Comment: ATP5F1A: BP4

GeneDx
Classification: Likely benign. Last evaluated: 2017-12-29. Review status: criteria provided, single submitter. Criteria: GeneDx Variant Classification (06012015). Collection method: clinical testing. Allele origin: germline. Affected: yes.
Comment: This variant is considered likely benign or benign based on one or more of the following criteria: it is a conservative change, it occurs at a poorly conserved position in the protein, it is predicted to be benign by multiple in silico algorithms, and/or has population frequency not consistent with disease.

Literature cited by the submitters: PubMed 17576681 (cited by Labcorp Genetics (formerly Invitae), Labcorp); PubMed 9536098 (cited by Labcorp Genetics (formerly Invitae), Labcorp).

NM_004046.6(ATP5F1A):c.1176+5T>G

Gene: ATP5F1A (ATP synthase F1 subunit alpha; minus strand). Cytogenetic location: 18q21.1.
Variant type: single nucleotide variant.
Coding change: c.1176+5T>G on transcript NM_004046.6 (MANE Select); 5 bases into the intron after coding-DNA position 1176, T replaced by G.
Molecular consequence: intron variant.
Genome position (GRCh38, 1-based): chr18:46,087,003, A>C on the plus strand (T>G on the coding strand, the complement: ATP5F1A is on the minus strand). VCF-style: chr18-46087003-A-C. GRCh37 (hg19) VCF-style: chr18-43666969-A-C.
Other names: c.1176+5T>G (NM_001001937.2); c.1110+5T>G (NM_001257334.2); c.1026+5T>G (NM_001001935.3, NM_001257335.2).
Identifiers: ClinVar variation 514390 (VCV000514390.35), dbSNP rs760107868, ClinGen allele CA8950653.